The following is an entry in ClinVar:

ClinVar aggregate classification (germline): Uncertain significance (1 of 4 stars; one submission).

Allele frequency attached by ClinVar (database versions not stated): ExAC 0.00001.
gnomAD v4.1: 40 of 1,614,044 alleles (0.0025%); highest among the groups gnomAD compares: Middle Eastern, 0.016%; no homozygotes.

Submission:

Labcorp Genetics (formerly Invitae), Labcorp
Classification: Uncertain significance. Last evaluated: 2025-04-09. Review status: criteria provided, single submitter. Criteria: Invitae Variant Classification Sherloc (09022015). Collection method: clinical testing. Allele origin: germline.
Comment: This sequence change replaces leucine, which is neutral and non-polar, with valine, which is neutral and non-polar, at codon 277 of the QRSL1 protein (p.Leu277Val). This variant is present in population databases (rs762322256, gnomAD 0.002%). This variant has not been reported in the literature in individuals affected with QRSL1-related conditions. ClinVar contains an entry for this variant (Variation ID: 2147665). Invitae Evidence Modeling of protein sequence and biophysical properties (such as structural, functional, and spatial information, amino acid conservation, physicochemical variation, residue mobility, and thermodynamic stability) indicates that this missense variant is not expected to disrupt QRSL1 protein function with a negative predictive value of 80%. Algorithms developed to predict the effect of sequence changes on RNA splicing suggest that this variant may create or strengthen a splice site. In summary, the available evidence is currently insufficient to determine the role of this variant in disease. Therefore, it has been classified as a Variant of Uncertain Significance.

NM_018292.5(QRSL1):c.829C>G (p.Leu277Val)

Gene: QRSL1 (glutaminyl-tRNA amidotransferase subunit QRSL1; plus strand). Cytogenetic location: 6q21.
Variant type: single nucleotide variant.
Coding change: c.829C>G on transcript NM_018292.5 (MANE Select); coding-DNA position 829, C replaced by G.
Protein change: p.Leu277Val; replaces leucine 277 with valine.
Molecular consequence: missense variant.
Genome position (GRCh38, 1-based): chr6:106,652,562, C>G. VCF-style: chr6-106652562-C-G. GRCh37 (hg19) VCF-style: chr6-107100437-C-G.
Other names: short protein forms L277V.
Identifiers: ClinVar variation 2147665 (VCV002147665.4), dbSNP rs762322256, ClinGen allele CA3944865.
Genomic context (GRCh38, chr6:106,652,562, plus strand): 5'-ACAGTACATGAACCTATTAATAAACCATTCATGCTTCCCAGTTTGGCAGATGTGAGCAAA[C>G]TATGTATAGGAATTCCAAAGGTAACTTTTTCCTTTCATTACTTTACAGAAATACTGTCAA-3'
Protein context (NP_060762.3, residues 267-287): MLPSLADVSK[Leu277Val]CIGIPKEYLV